The following is an entry in ClinVar:

ClinVar aggregate classification (germline): Uncertain significance. Review status: criteria provided, multiple submitters, no conflicts (2 of 4 stars). 2 submissions from 2 submitters: Uncertain significance (2). Last evaluated 2025-12-03.

Conditions:
DICER1-related tumor predisposition. Also called: DICER1 syndrome; DICER1-related pleuropulmonary blastoma cancer predisposition syndrome. Identifiers: Orphanet 284343, MedGen C3839822, MONDO:0100216.
Hereditary cancer-predisposing syndrome. Also called: Neoplastic Syndromes, Hereditary; Hereditary Cancer Syndrome; Hereditary neoplastic syndrome; Tumor predisposition. Identifiers: Orphanet 140162, MedGen C0027672, MeSH D009386, MONDO:0015356.

Allele frequency attached by ClinVar (database versions not stated): gnomAD exomes below 0.00001; ExAC 0.00001.

Submissions (2):

Ambry Genetics
Classification: Uncertain significance for Hereditary cancer-predisposing syndrome. Last evaluated: 2025-12-03. Review status: criteria provided, single submitter. Criteria: Ambry Variant Classification Scheme 2023. Collection method: clinical testing. Allele origin: germline.
Comment: The p.M1837I variant (also known as c.5511G>A), located in coding exon 24 of the DICER1 gene, results from a G to A substitution at nucleotide position 5511. The methionine at codon 1837 is replaced by isoleucine, an amino acid with highly similar properties. This amino acid position is conserved. In addition, the in silico prediction for this alteration is inconclusive. Based on the available evidence, the clinical significance of this variant remains unclear.

Labcorp Genetics (formerly Invitae), Labcorp
Classification: Uncertain significance for DICER1-related tumor predisposition. Last evaluated: 2020-10-23. Review status: criteria provided, single submitter. Criteria: Invitae Variant Classification Sherloc (09022015). Collection method: clinical testing. Allele origin: germline.
Comment: In summary, the available evidence is currently insufficient to determine the role of this variant in disease. Therefore, it has been classified as a Variant of Uncertain Significance. Algorithms developed to predict the effect of missense changes on protein structure and function are either unavailable or do not agree on the potential impact of this missense change (SIFT: "Deleterious"; PolyPhen-2: "Possibly Damaging"; Align-GVGD: "Class C0"). This variant has not been reported in the literature in individuals with DICER1-related disease. This variant is present in population databases (rs747798126, ExAC 0.001%). This sequence change replaces methionine with isoleucine at codon 1837 of the DICER1 protein (p.Met1837Ile). The methionine residue is highly conserved and there is a small physicochemical difference between methionine and isoleucine.

NM_177438.3(DICER1):c.5511G>A (p.Met1837Ile)

Gene: DICER1 (dicer 1, ribonuclease III; minus strand). Cytogenetic location: 14q32.13.
Variant type: single nucleotide variant.
Coding change: c.5511G>A on transcript NM_177438.3 (MANE Select); coding-DNA position 5511, G replaced by A.
Protein change: p.Met1837Ile; replaces methionine 1837 with isoleucine.
Molecular consequence: missense variant. On other transcripts: intron variant (1).
Genome position (GRCh38, 1-based): chr14:95,091,219, C>T on the plus strand (G>A on the coding strand, the complement: DICER1 is on the minus strand). VCF-style: chr14-95091219-C-T. GRCh37 (hg19) VCF-style: chr14-95557556-C-T.
Other names: c.5511G>A, p.Met1837Ile (NM_001271282.3, NM_001291628.2, NM_030621.4); c.5365-110G>A (NM_001195573.1); short protein forms M1837I.
Identifiers: ClinVar variation 640147 (VCV000640147.13), dbSNP rs747798126, ClinGen allele CA7330655.